The following is an entry in ClinVar:

NM_000516.7(GNAS):c.138G>A (p.Leu46=)

Gene: GNAS (GNAS complex locus; plus strand). Cytogenetic location: 20q13.32.
Variant type: single nucleotide variant.
Coding change: c.138G>A on transcript NM_000516.7 (MANE Select); coding-DNA position 138, G replaced by A.
Protein change: p.Leu46=; no amino-acid change (leucine 46 retained).
Molecular consequence: synonymous variant. On other transcripts: intron variant (6).
Genome position (GRCh38, 1-based): chr20:58,891,864, G>A. VCF-style: chr20-58891864-G-A. GRCh37 (hg19) VCF-style: chr20-57466919-G-A.
Other names: c.138G>A (NM_000516.5); c.138G>A, p.Leu46= (NM_001077488.5, NM_001077489.4, NM_001309842.2 and 1 more transcripts); c.*43-3748G>A (NM_016592.5); c.-38-3748G>A (NM_001309861.2); c.*1-3748G>A (NM_001077490.3); c.2069-3748G>A (NM_080425.4); c.*159-3748G>A (NM_001309883.1); c.-39+2511G>A (NM_001309840.2).
Identifiers: ClinVar variation 211089 (VCV000211089.8), dbSNP rs760146185, ClinGen allele CA208683.
Genomic context (GRCh38, chr20:58,891,864, plus strand): 5'-CGAGAAGCAGCTGCAGAAGGACAAGCAGGTCTACCGGGCCACGCACCGCCTGCTGCTGCT[G>A]GGTAAGGGCGGGCGGGGGGCGCCGGCCCCGGCCCGGGGGCCCTCGAAGGGCGCCCCGCAG-3'
Protein context (NP_000507.1, residues 36-56): VYRATHRLLL[Leu46=]GAGESGKSTI

ClinVar aggregate classification (germline): Uncertain significance. Review status: criteria provided, single submitter (1 of 4 stars). 2 submissions from 2 submitters: Uncertain significance (1). 1 of the submissions does not count toward it. Last evaluated 2015-04-14.

Conditions:
GNAS-related disorder. Identifiers: MedGen CN380105.

gnomAD v4.1: 4 of 1,206,642 alleles (0.00033%); highest among the groups gnomAD compares: Non-Finnish European, 0.00043%; no homozygotes.

Submissions (2):

Genetic Services Laboratory, University of Chicago
Classification: Uncertain significance. Last evaluated: 2015-04-14. Review status: criteria provided, single submitter. Criteria: ACMG Guidelines, 2015. Collection method: clinical testing. Allele origin: germline.

PreventionGenetics, part of Exact Sciences
Classification: Likely benign for GNAS-related condition. Last evaluated: 2023-09-07. Review status: no assertion criteria provided. Collection method: clinical testing. Allele origin: germline. Not counted in ClinVar's aggregate classification.
Comment: This variant is classified as likely benign based on ACMG/AMP sequence variant interpretation guidelines (Richards et al. 2015 PMID: 25741868, with internal and published modifications).